The following is an entry in ClinVar:

NM_001134363.3(RBM20):c.1332del (p.Glu445fs)

Gene: RBM20 (RNA binding motif protein 20; plus strand). Cytogenetic location: 10q25.2.
Variant type: Deletion.
Coding change: c.1332del on transcript NM_001134363.3 (MANE Select); coding-DNA position 1332, one base deleted (T; older notation c.1332delT).
Protein change: p.Glu445fs; shifts the reading frame from glutamic acid 445.
Molecular consequence: frameshift variant.
Genome position (GRCh38, 1-based): chr10:110,783,422, T deleted. VCF-style (leftmost placement, unchanged base first): chr10-110783421-CT-C. GRCh37 (hg19) VCF-style: chr10-112543179-CT-C.
Other names: short protein forms E445fs.
Identifiers: ClinVar variation 1770178 (VCV001770178.2), dbSNP rs1844379668, ClinGen allele CA2497307423.

ClinVar aggregate classification (germline): Uncertain significance (1 of 4 stars; one submission).

Conditions:
Cardiovascular phenotype. Identifiers: MedGen CN230736.

Submission:

Ambry Genetics
Classification: Uncertain significance for Cardiovascular phenotype. Last evaluated: 2019-10-18. Review status: criteria provided, single submitter. Criteria: Ambry Variant Classification Scheme 2023. Collection method: clinical testing. Allele origin: germline.
Comment: The c.1332delT variant, located in coding exon 3 of the RBM20 gene, results from a deletion of one nucleotide at nucleotide position 1332, causing a translational frameshift with a predicted alternate stop codon (p.E445Kfs*107). This alteration is expected to result in loss of function by premature protein truncation or nonsense-mediated mRNA decay. However, loss of function of RBM20 has not been clearly established as a mechanism of disease. Since supporting evidence is limited at this time, the clinical significance of this alteration remains unclear.